The following is an entry in ClinVar:

NM_213599.3(ANO5):c.2414+1G>C

Gene: ANO5 (anoctamin 5; plus strand). Cytogenetic location: 11p14.3.
Variant type: single nucleotide variant.
Coding change: c.2414+1G>C on transcript NM_213599.3 (MANE Select); the canonical splice donor site of the intron after coding-DNA position 2414, G replaced by C.
Molecular consequence: splice donor variant.
Genome position (GRCh38, 1-based): chr11:22,274,748, G>C. VCF-style: chr11-22274748-G-C. GRCh37 (hg19) VCF-style: chr11-22296294-G-C.
Other names: c.2369+1G>C (NM_001410964.1); c.2372+1G>C (NM_001410963.1); c.2411+1G>C (NM_001142649.2).
Identifiers: ClinVar variation 1468285 (VCV001468285.8), dbSNP rs2133795361, ClinGen allele CA379924479.
Genomic context (GRCh38, chr11:22,274,748, plus strand): 5'-GATAGCTGATTTTCCAAACCACACTGCACCTTCGGAAAAACGAGACTTCATCACTTGCAG[G>C]TGATTTGTTTGTTTGTTTGTTTAGGTTTTAGTTTTATCCCTTAAGCGTATTTCTTAAGTT-3'

ClinVar aggregate classification (germline): Likely pathogenic (1 of 4 stars; one submission).

Conditions:
Gnathodiaphyseal dysplasia (GDD). Also called: GNATHODIAPHYSEAL SCLEROSIS; OSTEOGENESIS IMPERFECTA WITH UNUSUAL SKELETAL LESIONS. Identifiers: Orphanet 53697, MedGen C1833736, MONDO:0008151, OMIM 166260.
Autosomal recessive limb-girdle muscular dystrophy type 2L (LGMDR12). Also called: Limb-girdle muscular dystrophy, type 2L; MUSCULAR DYSTROPHY, LIMB-GIRDLE, AUTOSOMAL RECESSIVE 12; Limb-Girdle Muscular Dystrophy R12 Anoctamin-5-Related (LGMD-R12). Identifiers: Orphanet 206549, MedGen C1969785, MONDO:0012652, OMIM 611307.

Submission:

Labcorp Genetics (formerly Invitae), Labcorp
Classification: Likely pathogenic for Autosomal recessive limb-girdle muscular dystrophy type 2L; Gnathodiaphyseal dysplasia. Last evaluated: 2021-03-22. Review status: criteria provided, single submitter. Criteria: Invitae Variant Classification Sherloc (09022015). Collection method: clinical testing. Allele origin: germline.
Comment: This variant has not been reported in the literature in individuals with ANO5-related conditions. Algorithms developed to predict the effect of sequence changes on RNA splicing suggest that this variant may disrupt the consensus splice site, but this prediction has not been confirmed by published transcriptional studies. In summary, the currently available evidence indicates that the variant is pathogenic, but additional data are needed to prove that conclusively. Therefore, this variant has been classified as Likely Pathogenic. This variant is not present in population databases (ExAC no frequency). This sequence change affects a donor splice site in intron 20 of the ANO5 gene. It is expected to disrupt RNA splicing. Variants that disrupt the donor or acceptor splice site typically lead to a loss of protein function (PMID: 16199547), and loss-of-function variants in ANO5 are known to be pathogenic (PMID: 21186264, 23606453, 25891276, 30919934).

Literature cited by the submitters: PubMed 16199547; PubMed 21186264; PubMed 23606453; PubMed 25891276; PubMed 30919934.